The following is an entry in ClinVar:

ClinVar aggregate classification (germline): Uncertain significance (1 of 4 stars; one submission).

Submission:

Labcorp Genetics (formerly Invitae), Labcorp
Classification: Uncertain significance. Last evaluated: 2023-08-09. Review status: criteria provided, single submitter. Criteria: Invitae Variant Classification Sherloc (09022015). Collection method: clinical testing. Allele origin: germline.
Comment: This sequence change creates a premature translational stop signal (p.Phe60Cysfs*32) in the CDH2 gene. It is expected to result in an absent or disrupted protein product. However, the current clinical and genetic evidence is not sufficient to establish whether loss-of-function variants in CDH2 cause disease. This variant is not present in population databases (gnomAD no frequency). This variant has not been reported in the literature in individuals affected with CDH2-related conditions. In summary, the available evidence is currently insufficient to determine the role of this variant in disease. Therefore, it has been classified as a Variant of Uncertain Significance.

NM_001792.5(CDH2):c.177_178dup (p.Phe60fs)

Gene: CDH2 (cadherin 2; minus strand). Cytogenetic location: 18q12.1.
Variant type: Duplication.
Coding change: c.177_178dup on transcript NM_001792.5 (MANE Select); coding-DNA positions 177 to 178, 2 bases duplicated (GT; older notation c.177_178dupGT).
Protein change: p.Phe60fs; shifts the reading frame from phenylalanine 60.
Molecular consequence: frameshift variant.
Genome position (GRCh38, 1-based): chr18:28,013,904-28,013,905, AC duplicated on the plus strand (GT on the coding strand, the reverse complement: CDH2 is on the minus strand). VCF-style (leftmost placement, unchanged base first): chr18-28013903-A-AAC. GRCh37 (hg19) VCF-style: chr18-25593867-A-AAC.
Other names: c.84_85dup, p.Phe29fs (NM_001308176.2); short protein forms F29fs, F60fs.
Identifiers: ClinVar variation 2751344 (VCV002751344.3), dbSNP rs2510819090, ClinGen allele CA2697555442.
Genomic context (GRCh38, chr18:28,013,903, plus strand): 5'-TTAAAATCTGCAGGCTCACTGCTCTCATATTGTACTTTTCTTTTTCCATTGCAGTTGCTA[A>AAC]ACTTCACTGTAAAAGATAAGAAATAGGTCAGTTATTATAATTATACCAAAAAGGCAAAAA-3'